The following is an entry in ClinVar:

ClinVar aggregate classification (germline): Uncertain significance (1 of 4 stars; one submission).

Conditions:
Dystonic disorder. Also called: Dystonia. Identifiers: MedGen C0013421, MONDO:0003441, HP:0001332.

gnomAD v4.1: 5 of 1,613,348 alleles (0.00031%); highest among the groups gnomAD compares: East Asian, 0.0067%; no homozygotes.

Submission:

Labcorp Genetics (formerly Invitae), Labcorp
Classification: Uncertain significance for Dystonic disorder. Last evaluated: 2025-08-03. Review status: criteria provided, single submitter. Criteria: Invitae Variant Classification Sherloc (09022015). Collection method: clinical testing. Allele origin: germline.
Comment: This sequence change replaces aspartic acid, which is acidic and polar, with glutamic acid, which is acidic and polar, at codon 753 of the ANO3 protein (p.Asp753Glu). This variant is present in population databases (rs768194129, gnomAD 0.01%). This variant has not been reported in the literature in individuals affected with ANO3-related conditions. Invitae Evidence Modeling of protein sequence and biophysical properties (such as structural, functional, and spatial information, amino acid conservation, physicochemical variation, residue mobility, and thermodynamic stability) indicates that this missense variant is not expected to disrupt ANO3 protein function with a negative predictive value of 95%. In summary, the available evidence is currently insufficient to determine the role of this variant in disease. Therefore, it has been classified as a Variant of Uncertain Significance.

NM_031418.4(ANO3):c.2259T>G (p.Asp753Glu)

Gene: ANO3 (anoctamin 3; plus strand). Cytogenetic location: 11p14.2.
Variant type: single nucleotide variant.
Coding change: c.2259T>G on transcript NM_031418.4 (MANE Select); coding-DNA position 2259, T replaced by G.
Protein change: p.Asp753Glu; replaces aspartic acid 753 with glutamic acid.
Molecular consequence: missense variant.
Genome position (GRCh38, 1-based): chr11:26,642,013, T>G. VCF-style: chr11-26642013-T-G. GRCh37 (hg19) VCF-style: chr11-26663560-T-G.
Other names: c.2442T>G, p.Asp814Glu (NM_001313726.2); c.1821T>G, p.Asp607Glu (NM_001313727.2); short protein forms D607E, D753E, D814E.
Identifiers: ClinVar variation 4805461 (VCV004805461.1).